The following is an entry in ClinVar:

NM_001110556.2(FLNA):c.5505C>T (p.Ser1835=)

Gene: FLNA (filamin A; minus strand). Cytogenetic location: Xq28.
Variant type: single nucleotide variant.
Coding change: c.5505C>T on transcript NM_001110556.2 (MANE Select); coding-DNA position 5505, C replaced by T.
Protein change: p.Ser1835=; no amino-acid change (serine 1835 retained).
Molecular consequence: synonymous variant.
Genome position (GRCh38, 1-based): chrX:154,354,203, G>A on the plus strand (C>T on the coding strand, the complement: FLNA is on the minus strand). VCF-style: chrX-154354203-G-A. GRCh37 (hg19) VCF-style: chrX-153582571-G-A.
Other names: c.5481C>T, p.Ser1827= (NM_001456.4).
Identifiers: ClinVar variation 1747803 (VCV001747803.29), dbSNP rs782568386, ClinGen allele CA10560297.

ClinVar aggregate classification (germline): Benign/Likely benign. Review status: criteria provided, multiple submitters, no conflicts (2 of 4 stars). 4 submissions from 4 submitters: Benign (1); Likely benign (3). Last evaluated 2025-12-08.

Conditions:
Oto-palato-digital syndrome, type II (OPD2). Also called: Otopalatodigital Syndrome Type 2 (FLNA-OPD2); Otopalatodigital Syndrome, Type II; FACIOPALATOOSSEOUS SYNDROME; OPD II SYNDROME. Identifiers: Orphanet 669, Orphanet 90652, MedGen C1844696, MONDO:0010571, OMIM 304120.
Melnick-Needles syndrome (MNS). Also called: Melnick-Needles Syndrome (FLNA-MNS); MELNICK-NEEDLES OSTEODYSPLASTY; OSTEODYSPLASTY OF MELNICK AND NEEDLES. Identifiers: Orphanet 2484, MedGen C0025237, MONDO:0010650, OMIM 309350.
Frontometaphyseal dysplasia (FMD1). Identifiers: Orphanet 1826, MedGen C0265293, MONDO:0015942.
Heterotopia, periventricular, X-linked dominant (PVNH1). Also called: X-linked periventricular heterotopia; PERIVENTRICULAR NODULAR HETEROTOPIA 1; PERIVENTRICULAR NODULAR HETEROTOPIA 4; HETEROTOPIA, PERIVENTRICULAR, 1. Identifiers: Orphanet 2149, Orphanet 82004, MedGen C1848213, MONDO:0010233, OMIM 300049.
Familial thoracic aortic aneurysm and aortic dissection (TAAD). Also called: Thoracic aortic aneurysms and dissections. Identifiers: Orphanet 91387, MedGen C4707243, MONDO:0019625.

Allele frequency attached by ClinVar (database versions not stated): ExAC 0.00001; gnomAD exomes 0.00001; TOPMed 0.00002.
gnomAD v4.1: 14 of 1,211,576 alleles (0.0012%); highest among the groups gnomAD compares: East Asian, 0.0059%; no homozygotes.

Submissions (4):

Labcorp Genetics (formerly Invitae), Labcorp
Classification: Benign for Oto-palato-digital syndrome, type II; Heterotopia, periventricular, X-linked dominant; Frontometaphyseal dysplasia; Melnick-Needles syndrome. Last evaluated: 2025-12-08. Review status: criteria provided, single submitter. Criteria: Invitae Variant Classification Sherloc (09022015). Collection method: clinical testing. Allele origin: germline.

Women's Health and Genetics/Laboratory Corporation of America, LabCorp
Classification: Likely benign. Last evaluated: 2023-07-21. Review status: criteria provided, single submitter. Criteria: LabCorp Variant Classification Summary - May 2015. Collection method: clinical testing. Allele origin: germline.

CeGaT Center for Human Genetics Tuebingen
Classification: Likely benign. Last evaluated: 2022-12-01. Review status: criteria provided, single submitter. Criteria: CeGaT Center For Human Genetics Tuebingen Variant Classification Criteria Version 2. Collection method: clinical testing. Allele origin: germline. Affected: yes. Observed: 1 variant allele.
Comment: FLNA: BP4, BP7

Ambry Genetics
Classification: Likely benign for Familial thoracic aortic aneurysm and aortic dissection. Last evaluated: 2019-11-18. Review status: criteria provided, single submitter. Criteria: Ambry Variant Classification Scheme 2023. Collection method: clinical testing. Allele origin: germline.